The following is an entry in ClinVar:

NM_176787.5(PIGN):c.675-2A>T

Gene: PIGN (phosphatidylinositol glycan anchor biosynthesis class N; minus strand). Cytogenetic location: 18q21.33.
Variant type: single nucleotide variant.
Coding change: c.675-2A>T on transcript NM_176787.5 (MANE Select); the canonical splice acceptor site of the intron before coding-DNA position 675, A replaced by T.
Molecular consequence: splice acceptor variant.
Genome position (GRCh38, 1-based): chr18:62,147,103, T>A on the plus strand (A>T on the coding strand, the complement: PIGN is on the minus strand). VCF-style: chr18-62147103-T-A. GRCh37 (hg19) VCF-style: chr18-59814336-T-A.
Other names: c.675-2A>T (NM_012327.6).
Identifiers: ClinVar variation 3658396 (VCV003658396.2).
Genomic context (GRCh38, chr18:62,147,103, plus strand): 5'-ACATAGACACGATTTCTTTAACTCCATCATCAACTTTTTTAATATTGTGCTTGTAGTCTC[T>A]ATTTGTAAAGAAACAGAGGAACAAATTAAATTAATTTGGAGAAATCAAATTTATTCAACG-3'

ClinVar aggregate classification (germline): Likely pathogenic (1 of 4 stars; one submission).

Conditions:
Multiple congenital anomalies-hypotonia-seizures syndrome 1 (MCAHS1). Also called: GLYCOSYLPHOSPHATIDYLINOSITOL BIOSYNTHESIS DEFECT 3; PIGN-CDG; Congenital disorder of glycosylation due to PIGN deficiency. Identifiers: Orphanet 280633, MedGen C3279775, MONDO:0013563, OMIM 614080.

Submission:

Labcorp Genetics (formerly Invitae), Labcorp
Classification: Likely pathogenic for Multiple congenital anomalies-hypotonia-seizures syndrome 1. Last evaluated: 2024-07-01. Review status: criteria provided, single submitter. Criteria: Invitae Variant Classification Sherloc (09022015). Collection method: clinical testing. Allele origin: germline.
Comment: This sequence change affects an acceptor splice site in intron 8 of the PIGN gene. It is expected to disrupt RNA splicing. Variants that disrupt the donor or acceptor splice site typically lead to a loss of protein function (PMID: 16199547), and loss-of-function variants in PIGN are known to be pathogenic (PMID: 24253414, 27038415). This variant is not present in population databases (gnomAD no frequency). Disruption of this splice site has been observed in individual(s) with clinical features of multiple congenital anomalies-hypotonia-seizures syndrome (PMID: 25590979). Algorithms developed to predict the effect of sequence changes on RNA splicing suggest that this variant may disrupt the consensus splice site. In summary, the currently available evidence indicates that the variant is pathogenic, but additional data are needed to prove that conclusively. Therefore, this variant has been classified as Likely Pathogenic.

Literature cited by the submitters: PubMed 16199547; PubMed 24253414; PubMed 27038415; PubMed 25590979.